The following is an entry in ClinVar:

NM_001360.3(DHCR7):c.207T>C (p.Thr69=)

Gene: DHCR7 (7-dehydrocholesterol reductase; minus strand). Cytogenetic location: 11q13.4.
Variant type: single nucleotide variant.
Coding change: c.207T>C on transcript NM_001360.3 (MANE Select); coding-DNA position 207, T replaced by C.
Protein change: p.Thr69=; no amino-acid change (threonine 69 retained).
Molecular consequence: synonymous variant.
Genome position (GRCh38, 1-based): chr11:71,444,107, A>G on the plus strand (T>C on the coding strand, the complement: DHCR7 is on the minus strand). VCF-style: chr11-71444107-A-G. GRCh37 (hg19) VCF-style: chr11-71155153-A-G.
Other names: p.Thr69=; c.207T>C, p.Thr69= (NM_001163817.2).
Identifiers: ClinVar variation 93715 (VCV000093715.41), dbSNP rs1790334, ClinGen allele CA147242.
Genomic context (GRCh38, chr11:71,444,107, plus strand): 5'-AGTCTTGGCCCAGATGTCCGAGAGCCGAGCATGTCCGGTGACGATGTCCACCACAGGGCC[A>G]GTCAGGGCGCAGCTGTACTGGTCACAAGCCATGATGAAGTAGTAGACGATGAAGGGGGCG-3'
Protein context (NP_001351.2, residues 59-79): MACDQYSCAL[Thr69=]GPVVDIVTGH

ClinVar aggregate classification (germline): Benign. Review status: criteria provided, multiple submitters, no conflicts (2 of 4 stars). 15 submissions from 15 submitters: Benign (12). 3 of the submissions do not count toward it. Last evaluated 2026-02-04.

Conditions:
Smith-Lemli-Opitz syndrome (SLOS). Also called: 7-Dehydrocholesterol reductase deficiency; LETHAL ACRODYSGENITAL SYNDROME; POLYDACTYLY, SEX REVERSAL, RENAL HYPOPLASIA, AND UNILOBAR LUNG; RSH SYNDROME; RUTLEDGE LETHAL MULTIPLE CONGENITAL ANOMALY SYNDROME. Identifiers: Orphanet 818, MedGen C0175694, MONDO:0010035, OMIM 270400.
Inborn genetic diseases. Identifiers: MedGen C0950123, MeSH D030342.

Allele frequency attached by ClinVar (database versions not stated): 1000 Genomes Project 30x 0.80871; 1000 Genomes Project 0.81010; gnomAD exomes 0.87209; ExAC 0.87550; TOPMed 0.88754; gnomAD 0.89547 and 0.90380; ESP Exome Variant Server 0.91292.
gnomAD v4.1: 1,489,833 of 1,612,316 alleles (92%); highest among the groups gnomAD compares: Non-Finnish European, 96%; 693,393 homozygotes.

Submissions (15):

Labcorp Genetics (formerly Invitae), Labcorp
Classification: Benign for Smith-Lemli-Opitz syndrome. Last evaluated: 2026-02-04. Review status: criteria provided, single submitter. Criteria: Invitae Variant Classification Sherloc (09022015). Collection method: clinical testing. Allele origin: germline.

Blueprint Genetics
Classification: Benign. Last evaluated: 2024-11-27. Review status: criteria provided, single submitter. Criteria: ACMG Guidelines, 2015. Collection method: clinical testing. Allele origin: germline.

Mayo Clinic Laboratories, Mayo Clinic
Classification: Benign. Last evaluated: 2022-05-05. Review status: criteria provided, single submitter. Criteria: ACMG Guidelines, 2015. Collection method: clinical testing. Allele origin: germline. Observed: 625 variant alleles.

ARUP Laboratories, Molecular Genetics and Genomics, ARUP Laboratories
Classification: Benign for Smith-Lemli-Opitz syndrome. Last evaluated: 2021-10-05. Review status: criteria provided, single submitter. Criteria: ARUP Molecular Germline Variant Investigation Process 2021. Collection method: clinical testing. Allele origin: germline.

Genome-Nilou Lab
Classification: Benign for Smith-Lemli-Opitz syndrome. Last evaluated: 2021-07-01. Review status: criteria provided, single submitter. Criteria: ACMG Guidelines, 2015. Collection method: clinical testing. Allele origin: germline. Affected: no.

Eurofins Ntd Llc (ga)
Classification: Benign. Last evaluated: 2018-06-06. Review status: criteria provided, single submitter. Criteria: EGL ClinVar v180209 classification definitions. Collection method: clinical testing. Allele origin: germline. Observed: 36 variant alleles, 3 heterozygotes, 33 homozygotes.

Illumina Laboratory Services, Illumina
Classification: Benign for Smith-Lemli-Opitz syndrome. Last evaluated: 2018-01-13. Review status: criteria provided, single submitter. Criteria: ICSL Variant Classification Criteria 13 December 2019. Collection method: clinical testing. Allele origin: germline.
Comment: This variant was observed in the ICSL laboratory as part of a predisposition screen in an ostensibly healthy population. It had not been previously curated by ICSL or reported in the Human Gene Mutation Database (HGMD: prior to June 1st, 2018), and was therefore a candidate for classification through an automated scoring system. Utilizing variant allele frequency, disease prevalence and penetrance estimates, and inheritance mode, an automated score was calculated to assess if this variant is too frequent to cause the disease. Based on the score and internal cut-off values, a variant classified as benign is not then subjected to further curation. The score for this variant resulted in a classification of benign for this disease.

Athena Diagnostics
Classification: Benign for Smith-Lemli-Opitz syndrome. Last evaluated: 2017-05-08. Review status: criteria provided, single submitter. Criteria: Athena Diagnostics Criteria. Collection method: clinical testing. Allele origin: germline.

Ambry Genetics
Classification: Benign for Inborn genetic diseases. Last evaluated: 2016-03-11. Review status: criteria provided, single submitter. Criteria: Ambry Variant Classification Scheme 2023. Collection method: clinical testing. Allele origin: germline.

GeneDx
Classification: Benign. Last evaluated: 2015-12-16. Review status: criteria provided, single submitter. Criteria: GeneDx Variant Classification (06012015). Collection method: clinical testing. Allele origin: germline. Affected: yes.
Comment: This variant is considered likely benign or benign based on one or more of the following criteria: it is a conservative change, it occurs at a poorly conserved position in the protein, it is predicted to be benign by multiple in silico algorithms, and/or has population frequency not consistent with disease.

Breakthrough Genomics
Classification: Benign. Review status: criteria provided, single submitter. Criteria: ACMG Guidelines, 2015. Collection method: not provided. Allele origin: germline. Inheritance: Autosomal recessive inheritance. Affected: yes.

PreventionGenetics, part of Exact Sciences
Classification: Benign. Review status: criteria provided, single submitter. Criteria: ACMG Guidelines, 2015. Collection method: clinical testing. Allele origin: germline.

Natera, Inc.
Classification: Benign for Smith-Lemli-Opitz syndrome. Last evaluated: 2017-05-05. Review status: no assertion criteria provided. Collection method: clinical testing. Allele origin: germline. Not counted in ClinVar's aggregate classification.

Diagnostic Laboratory, Department of Genetics, University Medical Center Groningen
Classification: Benign. Review status: no assertion criteria provided. Collection method: clinical testing. Allele origin: germline. Affected: yes. Study: VKGL Data-share Consensus. Not counted in ClinVar's aggregate classification.

Joint Genome Diagnostic Labs from Nijmegen and Maastricht, Radboudumc and MUMC+
Classification: Benign. Review status: no assertion criteria provided. Collection method: clinical testing. Allele origin: germline. Affected: yes. Study: VKGL Data-share Consensus. Not counted in ClinVar's aggregate classification.

Literature cited by the submitters: PubMed 11111101 (cited by Athena Diagnostics).